The following is an entry in ClinVar:

ClinVar aggregate classification (germline): Likely benign. Review status: criteria provided, multiple submitters, no conflicts (2 of 4 stars). 4 submissions from 4 submitters: Likely benign (4). Last evaluated 2025-12-29.

Allele frequency attached by ClinVar (database versions not stated): 1000 Genomes Project 30x 0.00016; ExAC 0.00037; gnomAD exomes 0.00046 and 0.00069; gnomAD 0.00060 and 0.00061; TOPMed 0.00064.
gnomAD v4.1: 1,056 of 1,550,710 alleles (0.068%); highest among the groups gnomAD compares: Non-Finnish European, 0.084%; 2 homozygotes.

Submissions (4):

Labcorp Genetics (formerly Invitae), Labcorp
Classification: Likely benign. Last evaluated: 2025-12-29. Review status: criteria provided, single submitter. Criteria: Invitae Variant Classification Sherloc (09022015). Collection method: clinical testing. Allele origin: germline.

CeGaT Center for Human Genetics Tuebingen
Classification: Likely benign. Last evaluated: 2025-08-01. Review status: criteria provided, single submitter. Criteria: CeGaT Center For Human Genetics Tuebingen Variant Classification Criteria Version 2. Collection method: clinical testing. Allele origin: germline. Affected: yes. Observed: 3 variant alleles.
Comment: OTOG: BP4, BP7

Blueprint Genetics
Classification: Likely benign. Last evaluated: 2024-09-14. Review status: criteria provided, single submitter. Criteria: ACMG Guidelines, 2015. Collection method: clinical testing. Allele origin: germline.

GeneDx
Classification: Likely benign. Last evaluated: 2021-01-11. Review status: criteria provided, single submitter. Criteria: GeneDx Variant Classification Process June 2021. Collection method: clinical testing. Allele origin: germline. Affected: yes.

NM_001292063.2(OTOG):c.8538C>T (p.Thr2846=)

Gene: OTOG (otogelin; plus strand). Cytogenetic location: 11p15.1.
Variant type: single nucleotide variant.
Coding change: c.8538C>T on transcript NM_001292063.2 (MANE Select); coding-DNA position 8538, C replaced by T.
Protein change: p.Thr2846=; no amino-acid change (threonine 2846 retained).
Molecular consequence: synonymous variant.
Genome position (GRCh38, 1-based): chr11:17,645,640, C>T. VCF-style: chr11-17645640-C-T. GRCh37 (hg19) VCF-style: chr11-17667187-C-T.
Other names: c.8574C>T, p.Thr2858= (NM_001277269.2).
Identifiers: ClinVar variation 735307 (VCV000735307.47), dbSNP rs201952556, ClinGen allele CA5906310.